The following is an entry in ClinVar:

NM_000051.4(ATM):c.2921+3A>T

Gene: ATM (ATM serine/threonine kinase; plus strand). Cytogenetic location: 11q22.3.
Variant type: single nucleotide variant.
Coding change: c.2921+3A>T on transcript NM_000051.4 (MANE Select); 3 bases into the intron after coding-DNA position 2921, A replaced by T.
Molecular consequence: intron variant.
Genome position (GRCh38, 1-based): chr11:108,271,149, A>T. VCF-style: chr11-108271149-A-T. GRCh37 (hg19) VCF-style: chr11-108141876-A-T.
Other names: c.2921+3A>T (NM_001351834.2).
Identifiers: ClinVar variation 1678153 (VCV001678153.2), dbSNP rs2135549049, ClinGen allele CA2573146544.

ClinVar aggregate classification (germline): Likely pathogenic. Review status: criteria provided, multiple submitters, no conflicts (2 of 4 stars). 2 submissions from 2 submitters: Likely pathogenic (2). Last evaluated 2023-12-26.

Conditions:
Ataxia-telangiectasia syndrome (AT). Also called: Ataxia-telangiectasia, complementation group D; AT, COMPLEMENTATION GROUP C; ATAXIA-TELANGIECTASIA, COMPLEMENTATION GROUP A; ATAXIA-TELANGIECTASIA, FRESNO VARIANT; Cerebello-oculocutaneous telangiectasia; Immunodeficiency with ataxia telangiectasia. Identifiers: Orphanet 100, MedGen C0004135, MONDO:0008840, OMIM 208900.

Allele frequency attached by ClinVar (database versions not stated): gnomAD exomes below 0.00001.
gnomAD v4.1: 1 of 1,613,980 alleles (0.000062%); highest among the groups gnomAD compares: Middle Eastern, 0.017%; no homozygotes.

Submissions (2):

3billion
Classification: Likely pathogenic for Ataxia-telangiectasia syndrome. Last evaluated: 2023-12-26. Review status: criteria provided, single submitter. Criteria: ACMG Guidelines, 2015. Collection method: clinical testing. Allele origin: germline. Affected: yes.
Comment: The variant is not observed in the gnomAD v2.1.1 dataset. Predicted Consequence/Location: Intron variant: previously reported to alter splicing (PMID: 9887333). In silico tools predict the variant to alter splicing and produce an abnormal transcript [Splice AI: 0.90 (spliceogenicity >=0.2, non-spliceogenicity <0.1)]. Intron variant: previously reported to alter splicing (PMID: 9887333). Therefore, this variant is classified as Likely pathogenic according to the recommendation of ACMG/AMP guideline.

AiLife Diagnostics
Classification: Likely pathogenic. Last evaluated: 2022-01-25. Review status: criteria provided, single submitter. Criteria: ACMG Guidelines, 2015. Collection method: clinical testing. Allele origin: germline. Affected: yes. Observed: 1 variant allele.

Literature cited by the submitters: PubMed 9887333 (cited by 3billion and AiLife Diagnostics).